The following is an entry in ClinVar:

NM_018163.3(DNAJC17):c.845G>A (p.Arg282His)

Gene: DNAJC17 (DnaJ heat shock protein family (Hsp40) member C17; minus strand). Cytogenetic location: 15q15.1.
Variant type: single nucleotide variant.
Coding change: c.845G>A on transcript NM_018163.3 (MANE Select); coding-DNA position 845, G replaced by A.
Protein change: p.Arg282His; replaces arginine 282 with histidine.
Molecular consequence: missense variant.
Genome position (GRCh38, 1-based): chr15:40,768,010, C>T on the plus strand (G>A on the coding strand, the complement: DNAJC17 is on the minus strand). VCF-style: chr15-40768010-C-T. GRCh37 (hg19) VCF-style: chr15-41060208-C-T.
Other names: short protein forms R282H.
Identifiers: ClinVar variation 4779007 (VCV004779007.1).

ClinVar aggregate classification (germline): Uncertain significance (1 of 4 stars; one submission).

gnomAD v4.1: 5 of 1,602,564 alleles (0.00031%); highest among the groups gnomAD compares: South Asian, 0.0011%; no homozygotes.

Submission:

Labcorp Genetics (formerly Invitae), Labcorp
Classification: Uncertain significance. Last evaluated: 2025-09-14. Review status: criteria provided, single submitter. Criteria: Invitae Variant Classification Sherloc (09022015). Collection method: clinical testing. Allele origin: germline.
Comment: This sequence change replaces arginine, which is basic and polar, with histidine, which is basic and polar, at codon 282 of the DNAJC17 protein (p.Arg282His). This variant is not present in population databases (gnomAD no frequency). This variant has not been reported in the literature in individuals affected with DNAJC17-related conditions. An algorithm developed to predict the effect of missense changes on protein structure and function (PolyPhen-2) suggests that this variant is likely to be disruptive. In summary, the available evidence is currently insufficient to determine the role of this variant in disease. Therefore, it has been classified as a Variant of Uncertain Significance.